The following is an entry in ClinVar:

ClinVar aggregate classification (germline): Uncertain significance (1 of 4 stars; one submission).

Submission:

Labcorp Genetics (formerly Invitae), Labcorp
Classification: Uncertain significance. Last evaluated: 2026-01-06. Review status: criteria provided, single submitter. Criteria: Invitae Variant Classification Sherloc (09022015). Collection method: clinical testing. Allele origin: germline.
Comment: This sequence change replaces alanine, which is neutral and non-polar, with serine, which is neutral and polar, at codon 46 of the GMNN protein (p.Ala46Ser). This variant is present in population databases (rs150391376, gnomAD 0.003%). This variant has not been reported in the literature in individuals affected with GMNN-related conditions. An algorithm developed to predict the effect of missense changes on protein structure and function (PolyPhen-2) suggests that this variant is likely to be tolerated. In summary, the available evidence is currently insufficient to determine the role of this variant in disease. Therefore, it has been classified as a Variant of Uncertain Significance.

NM_015895.5(GMNN):c.136G>T (p.Ala46Ser)

Gene: GMNN (geminin DNA replication inhibitor; plus strand). Cytogenetic location: 6p22.3.
Variant type: single nucleotide variant.
Coding change: c.136G>T on transcript NM_015895.5 (MANE Select); coding-DNA position 136, G replaced by T.
Protein change: p.Ala46Ser; replaces alanine 46 with serine.
Molecular consequence: missense variant.
Genome position (GRCh38, 1-based): chr6:24,781,483, G>T. VCF-style: chr6-24781483-G-T. GRCh37 (hg19) VCF-style: chr6-24781711-G-T.
Other names: c.136G>T, p.Ala46Ser (NM_001251989.2, NM_001251990.2, NM_001251991.1); short protein forms A46S.
Identifiers: ClinVar variation 4781495 (VCV004781495.1).